The following is an entry in ClinVar:

NM_021098.3(CACNA1H):c.4789C>T (p.Arg1597Trp)

Gene: CACNA1H (calcium voltage-gated channel subunit alpha1 H; plus strand). Cytogenetic location: 16p13.3.
Variant type: single nucleotide variant.
Coding change: c.4789C>T on transcript NM_021098.3 (MANE Select); coding-DNA position 4789, C replaced by T.
Protein change: p.Arg1597Trp; replaces arginine 1597 with tryptophan.
Molecular consequence: missense variant.
Genome position (GRCh38, 1-based): chr16:1,213,791, C>T. VCF-style: chr16-1213791-C-T. GRCh37 (hg19) VCF-style: chr16-1263791-C-T.
Other names: c.4771C>T, p.Arg1591Trp (NM_001005407.2); c.4789C>T (NM_021098.2); short protein forms R1591W, R1597W.
Identifiers: ClinVar variation 1184355 (VCV001184355.4), dbSNP rs747598216, ClinGen allele CA7801621.

ClinVar aggregate classification (germline): Conflicting classifications of pathogenicity. Review status: criteria provided, conflicting classifications (1 of 4 stars). 3 submissions from 3 submitters: Uncertain significance (2); Likely benign (1). Last evaluated 2026-05-28.

Conditions:
Idiopathic generalized epilepsy. Also called: EIG; Generalised epilepsy. Identifiers: MedGen C0270850, MONDO:0005579, OMIM 600669.
Hyperaldosteronism, familial, type IV (HALD4). Also called: FH IV; ALDOSTERONISM, PRIMARY, AND HYPERTENSION. Identifiers: Orphanet 642671, MedGen C4310756, MONDO:0014875, OMIM 617027.
Inborn genetic diseases. Identifiers: MedGen C0950123, MeSH D030342.
Epilepsy, childhood absence, susceptibility to, 6. Identifiers: Orphanet 64280, MedGen C2749872, MONDO:0012763, OMIM 611942.

Allele frequency attached by ClinVar (database versions not stated): gnomAD exomes 0.00003 and 0.00001; gnomAD 0.00001; ExAC 0.00004.
gnomAD v4.1: 13 of 1,562,004 alleles (0.00083%); highest among the groups gnomAD compares: Admixed American, 0.0057%; no homozygotes.

Submissions (3):

Ambry Genetics
Classification: Uncertain significance for Inborn genetic diseases. Last evaluated: 2026-05-28. Review status: criteria provided, single submitter. Criteria: Ambry Variant Classification Scheme 2023. Collection method: clinical testing. Allele origin: germline.
Comment: The c.4789C>T (p.R1597W) alteration is located in exon 27 (coding exon 26) of the CACNA1H gene. This alteration results from a C to T substitution at nucleotide position 4789, causing the arginine (R) at amino acid position 1597 to be replaced by a tryptophan (W). Based on data from gnomAD, the T allele has an overall frequency of 0.004% (7/202424) total alleles studied. The highest observed frequency was 0.015% (4/26978) of Latino alleles. Based on insufficient or conflicting evidence, the clinical significance of this alteration remains unclear.

Labcorp Genetics (formerly Invitae), Labcorp
Classification: Likely benign for Idiopathic generalized epilepsy; Hyperaldosteronism, familial, type IV. Last evaluated: 2025-06-17. Review status: criteria provided, single submitter. Criteria: Invitae Variant Classification Sherloc (09022015). Collection method: clinical testing. Allele origin: germline.

New York Genome Center
Classification: Uncertain significance for Epilepsy, childhood absence, susceptibility to, 6. Last evaluated: 2020-07-10. Review status: criteria provided, single submitter. Criteria: NYGC Assertion Criteria 2020. Collection method: clinical testing. Allele origin: inherited. Observed: 1 heterozygote. Study: CSER-NYCKidSeq.